The following is an entry in ClinVar:

ClinVar aggregate classification (germline): Uncertain significance. Review status: criteria provided, multiple submitters, no conflicts (2 of 4 stars). 2 submissions from 2 submitters: Uncertain significance (2). Last evaluated 2026-02-25.

Conditions:
Inborn genetic diseases. Identifiers: MedGen C0950123, MeSH D030342.
Polyhydramnios, megalencephaly, and symptomatic epilepsy (PMSE). Also called: PMSE SYNDROME. Identifiers: Orphanet 500533, MedGen C1970203, MONDO:0012611, OMIM 611087.

Allele frequency attached by ClinVar (database versions not stated): TOPMed 0.00002; gnomAD exomes 0.00004 and 0.00007; gnomAD 0.00005; ExAC 0.00009; 1000 Genomes Project 30x 0.00031; 1000 Genomes Project 0.00040.
gnomAD v4.1: 68 of 1,612,804 alleles (0.0042%); highest among the groups gnomAD compares: South Asian, 0.073%; 3 homozygotes.

Submissions (2):

Ambry Genetics
Classification: Uncertain significance for Inborn genetic diseases. Last evaluated: 2026-02-25. Review status: criteria provided, single submitter. Criteria: Ambry Variant Classification Scheme 2023. Collection method: clinical testing. Allele origin: germline.
Comment: The c.1049C>A (p.P350H) alteration is located in exon 11 (coding exon 10) of the STRADA gene. This alteration results from a C to A substitution at nucleotide position 1049, causing the proline (P) at amino acid position 350 to be replaced by a histidine (H). Based on data from gnomAD, the A allele has an overall frequency of 0.007% (17/244666) total alleles studied. The highest observed frequency was 0.056% (17/30380) of South Asian alleles. Based on insufficient or conflicting evidence, the clinical significance of this alteration remains unclear.

Labcorp Genetics (formerly Invitae), Labcorp
Classification: Uncertain significance for Polyhydramnios, megalencephaly, and symptomatic epilepsy. Last evaluated: 2022-08-10. Review status: criteria provided, single submitter. Criteria: Invitae Variant Classification Sherloc (09022015). Collection method: clinical testing. Allele origin: germline.
Comment: This sequence change replaces proline, which is neutral and non-polar, with histidine, which is basic and polar, at codon 350 of the STRADA protein (p.Pro350His). This variant is present in population databases (rs534294111, gnomAD 0.06%). This variant has not been reported in the literature in individuals affected with STRADA-related conditions. ClinVar contains an entry for this variant (Variation ID: 1405979). Algorithms developed to predict the effect of missense changes on protein structure and function are either unavailable or do not agree on the potential impact of this missense change (SIFT: "Deleterious"; PolyPhen-2: "Possibly Damaging"; Align-GVGD: "Class C0"). In summary, the available evidence is currently insufficient to determine the role of this variant in disease. Therefore, it has been classified as a Variant of Uncertain Significance.

NM_001003787.4(STRADA):c.1049C>A (p.Pro350His)

Gene: STRADA (STE20 related adaptor alpha; minus strand). Cytogenetic location: 17q23.3.
Variant type: single nucleotide variant.
Coding change: c.1049C>A on transcript NM_001003787.4 (MANE Select); coding-DNA position 1049, C replaced by A.
Protein change: p.Pro350His; replaces proline 350 with histidine.
Molecular consequence: missense variant. On other transcripts: non-coding transcript variant (1), intron variant (6).
Genome position (GRCh38, 1-based): chr17:63,704,392, G>T on the plus strand (C>A on the coding strand, the complement: STRADA is on the minus strand). VCF-style: chr17-63704392-G-T. GRCh37 (hg19) VCF-style: chr17-61781752-G-T.
Other names: c.938C>A, p.Pro313His (NM_001003786.3, NM_153335.6); c.875C>A, p.Pro292His (NM_001003788.3); c.1025C>A, p.Pro342His (NM_001363786.1); c.962C>A, p.Pro321His (NM_001363787.1); c.898+40C>A (NM_001363789.1); c.835+40C>A (NM_001363790.1, NM_001363791.1); c.922+40C>A (NM_001165969.2); c.877+40C>A (NM_001165970.2); and 2 more; short protein forms P292H, P321H, P313H, P342H, P350H.
Identifiers: ClinVar variation 1405979 (VCV001405979.4), dbSNP rs534294111, ClinGen allele CA8703154.
Genomic context (GRCh38, chr17:63,704,392, plus strand): 5'-CAGGGATACCTGGCATCCGGGTTGCGCTGAAGGCACTGCTCCACAAAGTGGTGGAAGTGG[G>T]GGGAGAAGGTTCGGTGGTAGGGGTGGGAGGGCGAGTCACCGTTGGAGGGCCGGGGGGTGC-3'
Protein context (NP_001003787.1, residues 340-360): PSHPYHRTFS[Pro350His]HFHHFVEQCL